The following is an entry in ClinVar:

NM_001111067.4(ACVR1):c.25C>T (p.Pro9Ser)

Gene: ACVR1 (activin A receptor type 1; minus strand). Cytogenetic location: 2q24.1.
Variant type: single nucleotide variant.
Coding change: c.25C>T on transcript NM_001111067.4 (MANE Select); coding-DNA position 25, C replaced by T.
Protein change: p.Pro9Ser; replaces proline 9 with serine.
Molecular consequence: missense variant.
Genome position (GRCh38, 1-based): chr2:157,799,469, G>A on the plus strand (C>T on the coding strand, the complement: ACVR1 is on the minus strand). VCF-style: chr2-157799469-G-A. GRCh37 (hg19) VCF-style: chr2-158655981-G-A.
Other names: c.25C>T, p.Pro9Ser (NM_001105.5, NM_001347663.1, NM_001347664.1 and 3 more transcripts); short protein forms P9S.
Identifiers: ClinVar variation 3142973 (VCV003142973.3), dbSNP rs753322618, ClinGen allele CA1919261.

ClinVar aggregate classification (germline): Uncertain significance. Review status: criteria provided, multiple submitters, no conflicts (2 of 4 stars). 2 submissions from 2 submitters: Uncertain significance (2). Last evaluated 2024-07-06.

Conditions:
Inborn genetic diseases. Identifiers: MedGen C0950123, MeSH D030342.

Allele frequency attached by ClinVar (database versions not stated): TOPMed below 0.00001; ExAC 0.00001; gnomAD exomes 0.00001.
gnomAD v4.1: 7 of 1,612,242 alleles (0.00043%); highest among the groups gnomAD compares: Non-Finnish European, 0.00059%; no homozygotes.

Submissions (2):

Labcorp Genetics (formerly Invitae), Labcorp
Classification: Uncertain significance. Last evaluated: 2024-07-06. Review status: criteria provided, single submitter. Criteria: Invitae Variant Classification Sherloc (09022015). Collection method: clinical testing. Allele origin: germline.
Comment: This sequence change replaces proline, which is neutral and non-polar, with serine, which is neutral and polar, at codon 9 of the ACVR1 protein (p.Pro9Ser). This variant is present in population databases (rs753322618, gnomAD 0.003%). This variant has not been reported in the literature in individuals affected with ACVR1-related conditions. Algorithms developed to predict the effect of missense changes on protein structure and function output the following: SIFT: "Not Available"; PolyPhen-2: "Benign"; Align-GVGD: "Not Available". The serine amino acid residue is found in multiple mammalian species, which suggests that this missense change does not adversely affect protein function. In summary, the available evidence is currently insufficient to determine the role of this variant in disease. Therefore, it has been classified as a Variant of Uncertain Significance.

Ambry Genetics
Classification: Uncertain significance for Inborn genetic diseases. Last evaluated: 2023-10-02. Review status: criteria provided, single submitter. Criteria: Ambry Variant Classification Scheme 2023. Collection method: clinical testing. Allele origin: germline.